The following is an entry in ClinVar:

NM_004991.4(MECOM):c.2962G>T (p.Gly988Cys)

Gene: MECOM (MDS1 and EVI1 complex locus; minus strand). Cytogenetic location: 3q26.2.
Variant type: single nucleotide variant.
Coding change: c.2962G>T on transcript NM_004991.4 (MANE Select); coding-DNA position 2962, G replaced by T.
Protein change: p.Gly988Cys; replaces glycine 988 with cysteine.
Molecular consequence: missense variant.
Genome position (GRCh38, 1-based): chr3:169,095,133, C>A on the plus strand (G>T on the coding strand, the complement: MECOM is on the minus strand). VCF-style: chr3-169095133-C-A. GRCh37 (hg19) VCF-style: chr3-168812921-C-A.
Other names: c.2593G>T, p.Gly865Cys (NM_001105077.4); c.2398G>T, p.Gly800Cys (NM_001105078.4, NM_001205194.2, NM_001366469.2 and 1 more transcripts); c.2374G>T, p.Gly792Cys (NM_001163999.2, NM_001366470.2); c.2371G>T, p.Gly791Cys (NM_001164000.2, NM_001366471.2, NM_001366472.2); c.2935G>T, p.Gly979Cys (NM_001366466.2); c.2401G>T, p.Gly801Cys (NM_001366467.2, NM_001366468.2); c.1963G>T, p.Gly655Cys (NM_001366473.2); c.1399G>T, p.Gly467Cys (NM_001366474.2); short protein forms G792C, G801C, G979C, G988C, G467C, G655C, G791C, G865C.
Identifiers: ClinVar variation 4053279 (VCV004053279.1).

ClinVar aggregate classification (germline): Uncertain significance (1 of 4 stars; one submission).

Conditions:
Inborn genetic diseases. Identifiers: MedGen C0950123, MeSH D030342.

gnomAD v4.1: 1 of 1,612,900 alleles (0.000062%); highest among the groups gnomAD compares: Non-Finnish European, 0.000085%; no homozygotes.

Submission:

Ambry Genetics
Classification: Uncertain significance for Inborn genetic diseases. Last evaluated: 2025-05-21. Review status: criteria provided, single submitter. Criteria: Ambry Variant Classification Scheme 2023. Collection method: clinical testing. Allele origin: germline.
Comment: The p.G988C variant (also known as c.2962G>T), located in coding exon 13 of the MECOM gene, results from a G to T substitution at nucleotide position 2962. The glycine at codon 988 is replaced by cysteine, an amino acid with highly dissimilar properties. This amino acid position is conserved. In addition, the in silico prediction for this alteration is inconclusive. Based on the available evidence, the clinical significance of this variant remains unclear.